The following is an entry in ClinVar:

NM_024529.5(CDC73):c.1495C>G (p.Leu499Val)

Gene: CDC73 (cell division cycle 73; plus strand). Cytogenetic location: 1q31.2.
Variant type: single nucleotide variant.
Coding change: c.1495C>G on transcript NM_024529.5 (MANE Select); coding-DNA position 1495, C replaced by G.
Protein change: p.Leu499Val; replaces leucine 499 with valine.
Molecular consequence: missense variant.
Genome position (GRCh38, 1-based): chr1:193,249,807, C>G. VCF-style: chr1-193249807-C-G. GRCh37 (hg19) VCF-style: chr1-193218937-C-G.
Other names: short protein forms L499V.
Identifiers: ClinVar variation 3488540 (VCV003488540.1).
Genomic context (GRCh38, chr1:193,249,807, plus strand): 5'-AAGTATGATGAAGTTCGTCTGGATCCAAATGTTCAGAAATGGGATGTAACAGTATTAGAA[C>G]TCAGCTATCACAAACGTCATTTGGATAGACCAGTGTTCTTACGGTTTTGGGAAACATTGG-3'
Protein context (NP_078805.3, residues 489-509): VQKWDVTVLE[Leu499Val]SYHKRHLDRP

ClinVar aggregate classification (germline): Uncertain significance (1 of 4 stars; one submission).

Conditions:
Hereditary cancer-predisposing syndrome. Also called: Tumor predisposition; Neoplastic Syndromes, Hereditary; Hereditary Cancer Syndrome; Hereditary neoplastic syndrome. Identifiers: Orphanet 140162, MedGen C0027672, MeSH D009386, MONDO:0015356.

Submission:

Ambry Genetics
Classification: Uncertain significance for Hereditary cancer-predisposing syndrome. Last evaluated: 2024-11-28. Review status: criteria provided, single submitter. Criteria: Ambry Variant Classification Scheme 2023. Collection method: clinical testing. Allele origin: germline.
Comment: The p.L499V variant (also known as c.1495C>G), located in coding exon 16 of the CDC73 gene, results from a C to G substitution at nucleotide position 1495. The leucine at codon 499 is replaced by valine, an amino acid with highly similar properties. This amino acid position is conserved. In addition, the in silico prediction for this alteration is inconclusive. Based on the available evidence, the clinical significance of this variant remains unclear.